The following is an entry in ClinVar:

NM_032776.3(JMJD1C):c.5086C>T (p.Arg1696Cys)

Gene: JMJD1C (jumonji domain containing 1C; minus strand). Cytogenetic location: 10q21.3.
Variant type: single nucleotide variant.
Coding change: c.5086C>T on transcript NM_032776.3 (MANE Select); coding-DNA position 5086, C replaced by T.
Protein change: p.Arg1696Cys; replaces arginine 1696 with cysteine.
Molecular consequence: missense variant.
Genome position (GRCh38, 1-based): chr10:63,200,666, G>A on the plus strand (C>T on the coding strand, the complement: JMJD1C is on the minus strand). VCF-style: chr10-63200666-G-A. GRCh37 (hg19) VCF-style: chr10-64960426-G-A.
Other names: c.4540C>T, p.Arg1514Cys (NM_001282948.2, NM_001318154.2); c.4222C>T, p.Arg1408Cys (NM_001318153.2); c.4972C>T, p.Arg1658Cys (NM_001322252.2); c.4429C>T, p.Arg1477Cys (NM_001322254.2, NM_001322258.2); short protein forms R1514C, R1477C, R1696C, R1408C, R1658C.
Identifiers: ClinVar variation 859898 (VCV000859898.7), dbSNP rs370008380, ClinGen allele CA5518144.
Genomic context (GRCh38, chr10:63,200,666, plus strand): 5'-AAAAGGATTCCCCAGTTTGCTTCAGCTTCTTGACTTTACGCCAATCTTTCAATACTGAAC[G>A]AGGAATGCCAGCTGTAAAATCAGTAGGAAAGTTTTAGCAAGATTATGCTTTGTAAAAAGT-3'
Protein context (NP_116165.1, residues 1686-1706): LQSNSNTGIP[Arg1696Cys]SVLKDWRKVK

ClinVar aggregate classification (germline): Uncertain significance (1 of 4 stars; one submission).

Conditions:
Early Myoclonic Encephalopathy. Identifiers: MedGen C0270855.

Allele frequency attached by ClinVar (database versions not stated): gnomAD exomes below 0.00001 and 0.00001; TOPMed 0.00002; gnomAD 0.00001; ExAC 0.00002.
gnomAD v4.1: 8 of 1,613,672 alleles (0.0005%); highest among the groups gnomAD compares: Admixed American, 0.0017%; no homozygotes.

Submission:

Labcorp Genetics (formerly Invitae), Labcorp
Classification: Uncertain significance for Early Myoclonic Encephalopathy. Last evaluated: 2022-04-18. Review status: criteria provided, single submitter. Criteria: Invitae Variant Classification Sherloc (09022015). Collection method: clinical testing. Allele origin: germline.
Comment: This sequence change replaces arginine, which is basic and polar, with cysteine, which is neutral and slightly polar, at codon 1696 of the JMJD1C protein (p.Arg1696Cys). This variant is present in population databases (rs370008380, gnomAD 0.003%). This variant has not been reported in the literature in individuals affected with JMJD1C-related conditions. ClinVar contains an entry for this variant (Variation ID: 859898). Algorithms developed to predict the effect of missense changes on protein structure and function are either unavailable or do not agree on the potential impact of this missense change (SIFT: "Deleterious"; PolyPhen-2: "Probably Damaging"; Align-GVGD: "Class C0"). In summary, the available evidence is currently insufficient to determine the role of this variant in disease. Therefore, it has been classified as a Variant of Uncertain Significance.